The following is an entry in ClinVar:

ClinVar aggregate classification (germline): Uncertain significance (1 of 4 stars; one submission).

Allele frequency attached by ClinVar (database versions not stated): gnomAD exomes below 0.00001.
gnomAD v4.1: 1 of 1,611,574 alleles (0.000062%); highest among the groups gnomAD compares: Non-Finnish European, 0.000085%; no homozygotes.

Submission:

Labcorp Genetics (formerly Invitae), Labcorp
Classification: Uncertain significance. Last evaluated: 2024-01-04. Review status: criteria provided, single submitter. Criteria: Invitae Variant Classification Sherloc (09022015). Collection method: clinical testing. Allele origin: germline.
Comment: This sequence change replaces lysine, which is basic and polar, with asparagine, which is neutral and polar, at codon 254 of the CREB3L3 protein (p.Lys254Asn). This variant is not present in population databases (gnomAD no frequency). This variant has not been reported in the literature in individuals affected with CREB3L3-related conditions. Advanced modeling of protein sequence and biophysical properties (such as structural, functional, and spatial information, amino acid conservation, physicochemical variation, residue mobility, and thermodynamic stability) performed at Invitae indicates that this missense variant is expected to disrupt CREB3L3 protein function with a positive predictive value of 80%. In summary, the available evidence is currently insufficient to determine the role of this variant in disease. Therefore, it has been classified as a Variant of Uncertain Significance.

NM_032607.3(CREB3L3):c.762G>T (p.Lys254Asn)

Gene: CREB3L3 (cAMP responsive element binding protein 3 like 3; plus strand). Cytogenetic location: 19p13.3.
Variant type: single nucleotide variant.
Coding change: c.762G>T on transcript NM_032607.3 (MANE Select); coding-DNA position 762, G replaced by T.
Protein change: p.Lys254Asn; replaces lysine 254 with asparagine.
Molecular consequence: missense variant. On other transcripts: intron variant (1).
Genome position (GRCh38, 1-based): chr19:4,168,398, G>T. VCF-style: chr19-4168398-G-T. GRCh37 (hg19) VCF-style: chr19-4168395-G-T.
Other names: c.759G>T, p.Lys253Asn (NM_001271995.2); c.756G>T, p.Lys252Asn (NM_001271996.2); c.715-1742G>T (NM_001271997.2); short protein forms K254N, K252N, K253N.
Identifiers: ClinVar variation 2707455 (VCV002707455.3), dbSNP rs1966971168, ClinGen allele CA403405866.